The following is an entry in ClinVar:

ClinVar aggregate classification (germline): Uncertain significance (1 of 4 stars; one submission).

Conditions:
Hereditary cancer-predisposing syndrome. Also called: Neoplastic Syndromes, Hereditary; Tumor predisposition; Hereditary Cancer Syndrome; Hereditary neoplastic syndrome. Identifiers: Orphanet 140162, MedGen C0027672, MeSH D009386, MONDO:0015356.

Submission:

Ambry Genetics
Classification: Uncertain significance for Hereditary cancer-predisposing syndrome. Last evaluated: 2020-04-06. Review status: criteria provided, single submitter. Criteria: Ambry Variant Classification Scheme 2023. Collection method: clinical testing. Allele origin: germline.
Comment: The p.F1310I variant (also known as c.3928T>A), located in coding exon 20 of the DICER1 gene, results from a T to A substitution at nucleotide position 3928. The phenylalanine at codon 1310 is replaced by isoleucine, an amino acid with highly similar properties. This amino acid position is highly conserved in available vertebrate species. In addition, the in silico prediction for this alteration is inconclusive. Since supporting evidence is limited at this time, the clinical significance of this alteration remains unclear.

NM_177438.3(DICER1):c.3928T>A (p.Phe1310Ile)

Gene: DICER1 (dicer 1, ribonuclease III; minus strand). Cytogenetic location: 14q32.13.
Variant type: single nucleotide variant.
Coding change: c.3928T>A on transcript NM_177438.3 (MANE Select); coding-DNA position 3928, T replaced by A.
Protein change: p.Phe1310Ile; replaces phenylalanine 1310 with isoleucine.
Molecular consequence: missense variant. On other transcripts: non-coding transcript variant (6).
Genome position (GRCh38, 1-based): chr14:95,103,468, A>T on the plus strand (T>A on the coding strand, the complement: DICER1 is on the minus strand). VCF-style: chr14-95103468-A-T. GRCh37 (hg19) VCF-style: chr14-95569805-A-T.
Other names: c.3928T>A, p.Phe1310Ile (NM_001195573.1, NM_001271282.3, NM_001291628.2 and 13 more transcripts); c.3646T>A, p.Phe1216Ile (NM_001395686.1); c.3523T>A, p.Phe1175Ile (NM_001395687.1, NM_001395688.1, NM_001395689.1 and 2 more transcripts); c.3361T>A, p.Phe1121Ile (NM_001395691.1); c.2245T>A, p.Phe749Ile (NM_001395697.1); short protein forms F1216I, F749I, F1310I, F1121I, F1175I.
Identifiers: ClinVar variation 1736243 (VCV001736243.2), dbSNP rs2542688588, ClinGen allele CA390873150.
Genomic context (GRCh38, chr14:95,103,468, plus strand): 5'-ATGTGGTGATGGCATGCTTTAAAAAGGAGTCGCCAAGCATTTCAAGCCGCTCCAGGTTAA[A>T]TCCATCACTAGCGTTTGACAGAGTCAAAGCCTGAAGAATAAGTCCAGGATTGGGGCCAAG-3'
Protein context (NP_803187.1, residues 1300-1320): ALTLSNASDG[Phe1310Ile]NLERLEMLGD